The following is an entry in ClinVar:

ClinVar aggregate classification (germline): Uncertain significance. Review status: criteria provided, multiple submitters, no conflicts (2 of 4 stars). 2 submissions from 2 submitters: Uncertain significance (2). Last evaluated 2021-08-31.

Conditions:
Inborn genetic diseases. Identifiers: MedGen C0950123, MeSH D030342.
Charcot-Marie-Tooth disease type 4. Also called: Charcot-Marie-Tooth, Type 4; Charcot-Marie-Tooth disease, type IV. Identifiers: Orphanet 64749, MedGen C4082197, MONDO:0018995.

Submissions (2):

Labcorp Genetics (formerly Invitae), Labcorp
Classification: Uncertain significance for Charcot-Marie-Tooth disease type 4. Last evaluated: 2021-08-31. Review status: criteria provided, single submitter. Criteria: Invitae Variant Classification Sherloc (09022015). Collection method: clinical testing. Allele origin: germline.
Comment: This variant, c.1500_1577del, results in the deletion of 26 amino acid(s) of the PRX protein (p.Leu523_Leu548del), but otherwise preserves the integrity of the reading frame. This variant is not present in population databases (ExAC no frequency). This variant has not been reported in the literature in individuals affected with PRX-related conditions. Experimental studies and prediction algorithms are not available or were not evaluated, and the functional significance of this variant is currently unknown. In summary, the available evidence is currently insufficient to determine the role of this variant in disease. Therefore, it has been classified as a Variant of Uncertain Significance.

Ambry Genetics
Classification: Uncertain significance for Inborn genetic diseases. Last evaluated: 2021-05-20. Review status: criteria provided, single submitter. Criteria: Ambry Variant Classification Scheme 2023. Collection method: clinical testing. Allele origin: germline.
Comment: The c.1500_1577del78 variant (also known as p.L523_L548del) is located in coding exon 4 of the PRX gene. This variant results from an in-frame AGAGATGAAACTCCCAAAGGTGCCAGAGATGGCTGTGCCGGAGGTGCGGCTTCCAGAGGTACAGCTGCTGAAAGTGTC deletion at nucleotide positions 1500 to 1577. This results in the in-frame deletion of 26 amino acids at codon 523. This amino acid region is not well conserved in available vertebrate species. Since supporting evidence is limited at this time, the clinical significance of this alteration remains unclear.

NM_181882.3(PRX):c.1500_1577del (p.Leu523_Leu548del)

Gene: PRX (periaxin; minus strand). Cytogenetic location: 19q13.2.
Variant type: Deletion.
Coding change: c.1500_1577del on transcript NM_181882.3 (MANE Select); coding-DNA positions 1500 to 1577, 78 bases deleted.
Protein change: p.Leu523_Leu548del.
Molecular consequence: inframe deletion. On other transcripts: 3 prime UTR variant (1).
Genome position (GRCh38, 1-based): chr19:40,396,775-40,396,852, 78 bases deleted. GRCh37 (hg19): chr19:40,902,690-40,902,767.
Other names: c.*1705_*1782del (NM_020956.2).
Identifiers: ClinVar variation 1022070 (VCV001022070.7), dbSNP rs2079442701, ClinGen allele CA633466308.